The following is an entry in ClinVar:

ClinVar aggregate classification (germline): Uncertain significance (1 of 4 stars; one submission).

Conditions:
Pulmonary hypertension, primary, 4. Identifiers: Orphanet 422, MedGen C3809198, MONDO:0014136, OMIM 615344.

Allele frequency attached by ClinVar (database versions not stated): gnomAD exomes below 0.00001; gnomAD 0.00001; TOPMed 0.00001; ExAC 0.00002.
gnomAD v4.1: 18 of 1,580,544 alleles (0.0011%); highest among the groups gnomAD compares: Non-Finnish European, 0.0015%; no homozygotes.

Submission:

Labcorp Genetics (formerly Invitae), Labcorp
Classification: Uncertain significance for Pulmonary hypertension, primary, 4. Last evaluated: 2025-04-06. Review status: criteria provided, single submitter. Criteria: Invitae Variant Classification Sherloc (09022015). Collection method: clinical testing. Allele origin: germline.
Comment: This sequence change replaces threonine, which is neutral and polar, with arginine, which is basic and polar, at codon 356 of the KCNK3 protein (p.Thr356Arg). This variant is present in population databases (rs777780035, gnomAD 0.01%). This variant has not been reported in the literature in individuals affected with KCNK3-related conditions. ClinVar contains an entry for this variant (Variation ID: 1348771). An algorithm developed to predict the effect of missense changes on protein structure and function (PolyPhen-2) suggests that this variant is likely to be tolerated. In summary, the available evidence is currently insufficient to determine the role of this variant in disease. Therefore, it has been classified as a Variant of Uncertain Significance.

NM_002246.3(KCNK3):c.1067C>G (p.Thr356Arg)

Gene: KCNK3 (potassium two pore domain channel subfamily K member 3; plus strand). Cytogenetic location: 2p23.3.
Variant type: single nucleotide variant.
Coding change: c.1067C>G on transcript NM_002246.3 (MANE Select); coding-DNA position 1067, C replaced by G.
Protein change: p.Thr356Arg; replaces threonine 356 with arginine.
Molecular consequence: missense variant.
Genome position (GRCh38, 1-based): chr2:26,728,450, C>G. VCF-style: chr2-26728450-C-G. GRCh37 (hg19) VCF-style: chr2-26951318-C-G.
Other names: short protein forms T356R.
Identifiers: ClinVar variation 1348771 (VCV001348771.6), dbSNP rs777780035, ClinGen allele CA1565595.